The following is an entry in ClinVar:

NM_001289104.2(PRKCSH):c.1165C>T (p.Arg389Trp)

Gene: PRKCSH (PRKCSH beta subunit of glucosidase II; plus strand). Cytogenetic location: 19p13.2.
Variant type: single nucleotide variant.
Coding change: c.1165C>T on transcript NM_001289104.2 (MANE Select); coding-DNA position 1165, C replaced by T.
Protein change: p.Arg389Trp; replaces arginine 389 with tryptophan.
Molecular consequence: missense variant.
Genome position (GRCh38, 1-based): chr19:11,448,260, C>T. VCF-style: chr19-11448260-C-T. GRCh37 (hg19) VCF-style: chr19-11559075-C-T.
Other names: c.1135C>T, p.Arg379Trp (NM_001001329.3, NM_001289102.2, NM_001379609.1); c.1165C>T, p.Arg389Trp (NM_001289103.2); c.1144C>T, p.Arg382Trp (NM_001379608.1, NM_002743.3); short protein forms R379W, R382W, R389W.
Identifiers: ClinVar variation 2571960 (VCV002571960.3), dbSNP rs145877768, ClinGen allele CA9213178.

ClinVar aggregate classification (germline): Uncertain significance. Review status: criteria provided, multiple submitters, no conflicts (2 of 4 stars). 2 submissions from 2 submitters: Uncertain significance (2). Last evaluated 2023-03-09.

Allele frequency attached by ClinVar (database versions not stated): TOPMed 0.00017; ExAC 0.00021; ESP Exome Variant Server 0.00023; gnomAD 0.00025.
gnomAD v4.1: 152 of 1,569,998 alleles (0.0097%); highest among the groups gnomAD compares: Admixed American, 0.079%; no homozygotes.

Submissions (2):

Genetic Services Laboratory, University of Chicago
Classification: Uncertain significance. Last evaluated: 2023-03-09. Review status: criteria provided, single submitter. Criteria: ACMG Guidelines, 2015. Collection method: clinical testing. Allele origin: germline. Affected: no.
Comment: DNA sequence analysis of the PRKCSH gene demonstrated a sequence change, c.1144C>T, in exon 13 that results in an amino acid change, p.Arg382Trp. This sequence change has been described in the gnomAD database with a frequency of 0.064% in the Latino subpopulation (dbSNP rs145877768). The p.Arg382Trp change affects a moderately conserved amino acid residue located in a domain of the PRKCSH protein that is not known to be functional. In-silico pathogenicity prediction tools (SIFT, PolyPhen2, Align GVGD, REVEL) provide contradictory results for the p.Arg382Trp substitution. This sequence change does not appear to have been previously described in individuals with PRKCSH-related disorders. Due to insufficient evidences and the lack of functional studies, the clinical significance of the p.Arg382Trp change remains unknown at this time.

GeneDx
Classification: Uncertain significance. Last evaluated: 2023-01-10. Review status: criteria provided, single submitter. Criteria: GeneDx Variant Classification Process June 2021. Collection method: clinical testing. Allele origin: germline. Affected: yes.
Comment: In silico analysis supports that this missense variant has a deleterious effect on protein structure/function; Has not been previously published as pathogenic or benign to our knowledge